The following is an entry in ClinVar:

ClinVar aggregate classification (germline): Uncertain significance. Review status: criteria provided, multiple submitters, no conflicts (2 of 4 stars). 2 submissions from 2 submitters: Uncertain significance (2). Last evaluated 2024-06-07.

Conditions:
Inborn genetic diseases. Identifiers: MedGen C0950123, MeSH D030342.

Allele frequency attached by ClinVar (database versions not stated): ESP Exome Variant Server 0.00008; TOPMed 0.00021; gnomAD 0.00029.

Submissions (2):

Labcorp Genetics (formerly Invitae), Labcorp
Classification: Uncertain significance. Last evaluated: 2024-06-07. Review status: criteria provided, single submitter. Criteria: Invitae Variant Classification Sherloc (09022015). Collection method: clinical testing. Allele origin: germline.
Comment: This sequence change replaces proline, which is neutral and non-polar, with leucine, which is neutral and non-polar, at codon 717 of the ZNF335 protein (p.Pro717Leu). This variant is present in population databases (rs374080544, gnomAD 0.04%), including at least one homozygous and/or hemizygous individual. This variant has not been reported in the literature in individuals affected with ZNF335-related conditions. Advanced modeling of protein sequence and biophysical properties (such as structural, functional, and spatial information, amino acid conservation, physicochemical variation, residue mobility, and thermodynamic stability) performed at Invitae indicates that this missense variant is not expected to disrupt ZNF335 protein function with a negative predictive value of 80%. In summary, the available evidence is currently insufficient to determine the role of this variant in disease. Therefore, it has been classified as a Variant of Uncertain Significance.

Ambry Genetics
Classification: Uncertain significance for Inborn genetic diseases. Last evaluated: 2021-11-12. Review status: criteria provided, single submitter. Criteria: Ambry Variant Classification Scheme 2023. Collection method: clinical testing. Allele origin: germline.

NM_022095.4(ZNF335):c.2150C>T (p.Pro717Leu)

Gene: ZNF335 (zinc finger protein 335; minus strand). Cytogenetic location: 20q13.12.
Variant type: single nucleotide variant.
Coding change: c.2150C>T on transcript NM_022095.4 (MANE Select); coding-DNA position 2150, C replaced by T.
Protein change: p.Pro717Leu; replaces proline 717 with leucine.
Molecular consequence: missense variant.
Genome position (GRCh38, 1-based): chr20:45,959,304, G>A on the plus strand (C>T on the coding strand, the complement: ZNF335 is on the minus strand). VCF-style: chr20-45959304-G-A. GRCh37 (hg19) VCF-style: chr20-44587943-G-A.
Other names: short protein forms P717L.
Identifiers: ClinVar variation 3195217 (VCV003195217.2), dbSNP rs374080544, ClinGen allele CA9885470.